The following is an entry in ClinVar:

ClinVar aggregate classification (germline): Uncertain significance (1 of 4 stars; one submission).

Submission:

GeneDx
Classification: Uncertain significance. Last evaluated: 2024-05-15. Review status: criteria provided, single submitter. Criteria: GeneDx Variant Classification Process June 2021. Collection method: clinical testing. Allele origin: germline. Affected: yes.
Comment: Has not been previously published as pathogenic or benign to our knowledge; Not observed at significant frequency in large population cohorts (gnomAD); Nonsense variant predicted to result in protein truncation or nonsense mediated decay in a gene or region of a gene for which loss of function is not a well-established mechanism of disease; In silico analysis is inconclusive as to whether the variant alters gene splicing. In the absence of RNA/functional studies, the actual effect of this sequence change is unknown.

NM_001105206.3(LAMA4):c.4288G>T (p.Gly1430Ter)

Gene: LAMA4 (laminin subunit alpha 4; minus strand). Cytogenetic location: 6q21.
Variant type: single nucleotide variant.
Coding change: c.4288G>T on transcript NM_001105206.3 (MANE Select); coding-DNA position 4288, G replaced by T.
Protein change: p.Gly1430Ter; replaces glycine 1430 with a stop codon.
Molecular consequence: nonsense.
Genome position (GRCh38, 1-based): chr6:112,122,201, C>A on the plus strand (G>T on the coding strand, the complement: LAMA4 is on the minus strand). VCF-style: chr6-112122201-C-A. GRCh37 (hg19) VCF-style: chr6-112443404-C-A.
Other names: c.4267G>T, p.Gly1423Ter (NM_001105207.3, NM_002290.5); short protein forms G1423*, G1430*.
Identifiers: ClinVar variation 3377872 (VCV003377872.1).